The following is an entry in ClinVar:

ClinVar aggregate classification (germline): Benign/Likely benign. Review status: criteria provided, multiple submitters, no conflicts (2 of 4 stars). 7 submissions from 7 submitters: Benign (4); Likely benign (3). Last evaluated 2026-02-03.

Conditions:
Hereditary spherocytosis type 5. Also called: EPB42-Related Spherocytosis; EPB42-Related Hereditary Spherocytosis. Identifiers: Orphanet 822, MedGen C2675192, MONDO:0012985, OMIM 612690.

Allele frequency attached by ClinVar (database versions not stated): 1000 Genomes Project 30x 0.00765; 1000 Genomes Project 0.00819; TOPMed 0.01660; gnomAD 0.01757 and 0.01821; ESP Exome Variant Server 0.01961; ExAC 0.02063.
gnomAD v4.1: 41,120 of 1,612,534 alleles (2.6%); highest among the groups gnomAD compares: Non-Finnish European, 3%; 641 homozygotes.

Submissions (7):

Labcorp Genetics (formerly Invitae), Labcorp
Classification: Benign. Last evaluated: 2026-02-03. Review status: criteria provided, single submitter. Criteria: Invitae Variant Classification Sherloc (09022015). Collection method: clinical testing. Allele origin: germline.

ARUP Laboratories, Molecular Genetics and Genomics, ARUP Laboratories
Classification: Benign for Hereditary spherocytosis type 5. Last evaluated: 2025-07-17. Review status: criteria provided, single submitter. Criteria: ARUP Molecular Germline Variant Investigation Process 2024. Collection method: clinical testing. Allele origin: germline.

Blueprint Genetics
Classification: Likely benign. Last evaluated: 2024-11-27. Review status: criteria provided, single submitter. Criteria: ACMG Guidelines, 2015. Collection method: clinical testing. Allele origin: germline.

Mayo Clinic Laboratories, Mayo Clinic
Classification: Benign. Last evaluated: 2022-05-17. Review status: criteria provided, single submitter. Criteria: ACMG Guidelines, 2015. Collection method: clinical testing. Allele origin: germline. Observed: 67 variant alleles.
Comment: BS2, BP4, BP7

Illumina Laboratory Services, Illumina
Classification: Likely benign for Hereditary spherocytosis type 5. Last evaluated: 2018-01-13. Review status: criteria provided, single submitter. Criteria: ICSL Variant Classification Criteria 13 December 2019. Collection method: clinical testing. Allele origin: germline.
Comment: This variant was observed in the ICSL laboratory as part of a predisposition screen in an ostensibly healthy population. It had not been previously curated by ICSL or reported in the Human Gene Mutation Database (HGMD: prior to June 1st, 2018), and was therefore a candidate for classification through an automated scoring system. Utilizing variant allele frequency, disease prevalence and penetrance estimates, and inheritance mode, an automated score was calculated to assess if this variant is too frequent to cause the disease. Based on the score and internal cut-off values, a variant classified as likely benign is not then subjected to further curation. The score for this variant resulted in a classification of likely benign for this disease.

Breakthrough Genomics
Classification: Likely benign. Review status: criteria provided, single submitter. Criteria: ACMG Guidelines, 2015. Collection method: not provided. Allele origin: germline. Inheritance: Unknown mechanism. Affected: yes.

PreventionGenetics, part of Exact Sciences
Classification: Benign. Review status: criteria provided, single submitter. Criteria: ACMG Guidelines, 2015. Collection method: clinical testing. Allele origin: germline.

NM_001114134.2(EPB42):c.654+7G>A

Gene: EPB42 (erythrocyte membrane protein band 4.2; minus strand). Cytogenetic location: 15q15.2.
Variant type: single nucleotide variant.
Coding change: c.654+7G>A on transcript NM_001114134.2 (MANE Select); 7 bases into the intron after coding-DNA position 654, G replaced by A.
Molecular consequence: intron variant.
Genome position (GRCh38, 1-based): chr15:43,210,328, C>T on the plus strand (G>A on the coding strand, the complement: EPB42 is on the minus strand). VCF-style: chr15-43210328-C-T. GRCh37 (hg19) VCF-style: chr15-43502526-C-T.
Other names: p.?; c.744+7G>A (NM_000119.3).
Identifiers: ClinVar variation 255155 (VCV000255155.30), dbSNP rs72721553, ClinGen allele CA7520565.